The following is an entry in ClinVar:

NM_004260.4(RECQL4):c.1445G>C (p.Arg482Pro)

Gene: RECQL4 (RecQ like helicase 4; minus strand). Cytogenetic location: 8q24.3.
Variant type: single nucleotide variant.
Coding change: c.1445G>C on transcript NM_004260.4 (MANE Select); coding-DNA position 1445, G replaced by C.
Protein change: p.Arg482Pro; replaces arginine 482 with proline.
Molecular consequence: missense variant.
Genome position (GRCh38, 1-based): chr8:144,515,188, C>G on the plus strand (G>C on the coding strand, the complement: RECQL4 is on the minus strand). VCF-style: chr8-144515188-C-G. GRCh37 (hg19) VCF-style: chr8-145740572-C-G.
Other names: short protein forms R482P.
Identifiers: ClinVar variation 1051213 (VCV001051213.5), dbSNP rs751616549, ClinGen allele CA372684745.
Genomic context (GRCh38, chr8:144,515,188, plus strand): 5'-CAGCCCTGGCAGCCACGCTCACCAGACAGGATCCGCATGACTGCACGCTCCTGCCCAGGG[C>G]GAAAGGCTTGGTGCCCCAGCTGCTCCAGGGCCTGGAACACCTCAGCCGGCGTCTCTGCAG-3'
Protein context (NP_004251.4, residues 472-492): ALEQLGHQAF[Arg482Pro]PGQERAVMRI

ClinVar aggregate classification (germline): Uncertain significance (1 of 4 stars; one submission).

Conditions:
Baller-Gerold syndrome (BGS). Also called: CRANIOSYNOSTOSIS WITH RADIAL DEFECTS. Identifiers: Orphanet 1225, MedGen C0265308, MONDO:0009039, OMIM 218600.

gnomAD v4.1: 4 of 1,567,296 alleles (0.00026%); highest among the groups gnomAD compares: South Asian, 0.0023%; no homozygotes.

Submission:

Labcorp Genetics (formerly Invitae), Labcorp
Classification: Uncertain significance for Baller-Gerold syndrome. Last evaluated: 2025-10-03. Review status: criteria provided, single submitter. Criteria: Invitae Variant Classification Sherloc (09022015). Collection method: clinical testing. Allele origin: germline.
Comment: This sequence change replaces arginine, which is basic and polar, with proline, which is neutral and non-polar, at codon 482 of the RECQL4 protein (p.Arg482Pro). This variant is present in population databases (no rsID available, gnomAD no frequency). This variant has not been reported in the literature in individuals affected with RECQL4-related conditions. ClinVar contains an entry for this variant (Variation ID: 1051213). Invitae Evidence Modeling of protein sequence and biophysical properties (such as structural, functional, and spatial information, amino acid conservation, physicochemical variation, residue mobility, and thermodynamic stability) indicates that this missense variant is expected to disrupt RECQL4 protein function with a positive predictive value of 80%. In summary, the available evidence is currently insufficient to determine the role of this variant in disease. Therefore, it has been classified as a Variant of Uncertain Significance.